The following is an entry in ClinVar:

ClinVar aggregate classification (germline): Uncertain significance (1 of 4 stars; one submission).

Conditions:
Inborn genetic diseases. Identifiers: MedGen C0950123, MeSH D030342.

Submission:

Ambry Genetics
Classification: Uncertain significance for Inborn genetic diseases. Last evaluated: 2024-12-02. Review status: criteria provided, single submitter. Criteria: Ambry Variant Classification Scheme 2023. Collection method: clinical testing. Allele origin: germline.
Comment: The p.I1881N variant (also known as c.5642T>A), located in coding exon 21 of the FANCM gene, results from a T to A substitution at nucleotide position 5642. The isoleucine at codon 1881 is replaced by asparagine, an amino acid with dissimilar properties. This amino acid position is conserved. In addition, this alteration is predicted to be tolerated by in silico analysis. Based on the available evidence, the clinical significance of this variant remains unclear.

NM_020937.4(FANCM):c.5642T>A (p.Ile1881Asn)

Gene: FANCM (FA complementation group M; plus strand). Cytogenetic location: 14q21.2.
Variant type: single nucleotide variant.
Coding change: c.5642T>A on transcript NM_020937.4 (MANE Select); coding-DNA position 5642, T replaced by A.
Protein change: p.Ile1881Asn; replaces isoleucine 1881 with asparagine.
Molecular consequence: missense variant.
Genome position (GRCh38, 1-based): chr14:45,196,473, T>A. VCF-style: chr14-45196473-T-A. GRCh37 (hg19) VCF-style: chr14-45665676-T-A.
Other names: c.5564T>A, p.Ile1855Asn (NM_001308133.2); short protein forms I1855N, I1881N.
Identifiers: ClinVar variation 3512963 (VCV003512963.1).